The following is an entry in ClinVar:

ClinVar aggregate classification (germline): Conflicting classifications of pathogenicity. Review status: criteria provided, conflicting classifications (1 of 4 stars). 2 submissions from 2 submitters: Uncertain significance (1); Likely benign (1). Last evaluated 2025-12-19.

Conditions:
Inborn genetic diseases. Identifiers: MedGen C0950123, MeSH D030342.

Submissions (2):

Labcorp Genetics (formerly Invitae), Labcorp
Classification: Uncertain significance. Last evaluated: 2025-12-19. Review status: criteria provided, single submitter. Criteria: Invitae Variant Classification Sherloc (09022015). Collection method: clinical testing. Allele origin: germline.
Comment: This sequence change replaces alanine, which is neutral and non-polar, with threonine, which is neutral and polar, at codon 120 of the GJB3 protein (p.Ala120Thr). This variant is present in population databases (rs560626630, gnomAD 0.004%). This variant has not been reported in the literature in individuals affected with GJB3-related conditions. ClinVar contains an entry for this variant (Variation ID: 3629397). Invitae Evidence Modeling of protein sequence and biophysical properties (such as structural, functional, and spatial information, amino acid conservation, physicochemical variation, residue mobility, and thermodynamic stability) indicates that this missense variant is not expected to disrupt GJB3 protein function with a negative predictive value of 80%. In summary, the available evidence is currently insufficient to determine the role of this variant in disease. Therefore, it has been classified as a Variant of Uncertain Significance.

Ambry Genetics
Classification: Likely benign for Inborn genetic diseases. Last evaluated: 2025-08-21. Review status: criteria provided, single submitter. Criteria: Ambry Variant Classification Scheme 2023. Collection method: clinical testing. Allele origin: germline.

NM_024009.3(GJB3):c.358G>A (p.Ala120Thr)

Gene: GJB3 (gap junction protein beta 3; plus strand). Cytogenetic location: 1p34.3.
Variant type: single nucleotide variant.
Coding change: c.358G>A on transcript NM_024009.3 (MANE Select); coding-DNA position 358, G replaced by A.
Protein change: p.Ala120Thr; replaces alanine 120 with threonine.
Molecular consequence: missense variant.
Genome position (GRCh38, 1-based): chr1:34,785,120, G>A. VCF-style: chr1-34785120-G-A. GRCh37 (hg19) VCF-style: chr1-35250721-G-A.
Other names: c.358G>A (NM_024009.2); c.358G>A, p.Ala120Thr (NM_001005752.2); short protein forms A120T.
Identifiers: ClinVar variation 3629397 (VCV003629397.3).